The following is an entry in ClinVar:

NM_017841.4(SDHAF2):c.496C>T (p.Arg166Cys)

Gene: SDHAF2 (succinate dehydrogenase complex assembly factor 2; plus strand). Cytogenetic location: 11q12.2.
Variant type: single nucleotide variant.
Coding change: c.496C>T on transcript NM_017841.4 (MANE Select); coding-DNA position 496, C replaced by T.
Protein change: p.Arg166Cys; replaces arginine 166 with cysteine.
Molecular consequence: missense variant.
Genome position (GRCh38, 1-based): chr11:61,446,066, C>T. VCF-style: chr11-61446066-C-T. GRCh37 (hg19) VCF-style: chr11-61213538-C-T.
Other names: short protein forms R166C.
Identifiers: ClinVar variation 463830 (VCV000463830.18), dbSNP rs968303021, ClinGen allele CA222882545.

ClinVar aggregate classification (germline): Uncertain significance. Review status: criteria provided, multiple submitters, no conflicts (2 of 4 stars). 5 submissions from 5 submitters: Uncertain significance (5). Last evaluated 2025-08-27.

Conditions:
Hereditary cancer-predisposing syndrome. Also called: Neoplastic Syndromes, Hereditary; Hereditary neoplastic syndrome; Tumor predisposition; Hereditary Cancer Syndrome. Identifiers: Orphanet 140162, MedGen C0027672, MeSH D009386, MONDO:0015356.
Hereditary pheochromocytoma and paraganglioma. Also called: Hereditary Paraganglioma-Pheochromocytoma Syndromes; Hereditary paragangliomas and pheochromocytomas; Hereditary pheochromocytoma-paraganglioma. Identifiers: Orphanet 29072, MedGen C4274332, MONDO:0017366.

Allele frequency attached by ClinVar (database versions not stated): gnomAD exomes below 0.00001 and 0.00001; gnomAD 0.00004; TOPMed 0.00004.

Submissions (5):

Labcorp Genetics (formerly Invitae), Labcorp
Classification: Uncertain significance for Hereditary pheochromocytoma and paraganglioma. Last evaluated: 2025-08-27. Review status: criteria provided, single submitter. Criteria: Invitae Variant Classification Sherloc (09022015). Collection method: clinical testing. Allele origin: germline.
Comment: This sequence change replaces arginine, which is basic and polar, with cysteine, which is neutral and slightly polar, at codon 166 of the SDHAF2 protein (p.Arg166Cys). This variant is present in population databases (no rsID available, gnomAD 0.003%). This variant has not been reported in the literature in individuals affected with SDHAF2-related conditions. ClinVar contains an entry for this variant (Variation ID: 463830). An algorithm developed to predict the effect of missense changes on protein structure and function (PolyPhen-2) suggests that this variant is likely to be tolerated. In summary, the available evidence is currently insufficient to determine the role of this variant in disease. Therefore, it has been classified as a Variant of Uncertain Significance.

Color Diagnostics, LLC DBA Color Health
Classification: Uncertain significance for Hereditary pheochromocytoma and paraganglioma. Last evaluated: 2025-07-18. Review status: criteria provided, single submitter. Criteria: ACMG Guidelines, 2015. Collection method: clinical testing. Allele origin: germline.
Comment: This missense variant replaces arginine with cysteine at codon 166 of the SDHAF2 protein. Computational prediction suggests that this variant may not impact protein structure and function. To our knowledge, functional studies have not been reported for this variant. This variant has not been reported in individuals affected with SDHAF2-related disorders in the literature. This variant has been identified in 1/251464 chromosomes in the general population by the Genome Aggregation Database (gnomAD). The available evidence is insufficient to determine the role of this variant in disease conclusively. Therefore, this variant is classified as a Variant of Uncertain Significance.

Ambry Genetics
Classification: Uncertain significance for Hereditary cancer-predisposing syndrome. Last evaluated: 2024-05-18. Review status: criteria provided, single submitter. Criteria: Ambry Variant Classification Scheme 2023. Collection method: clinical testing. Allele origin: germline.
Comment: The p.R166C variant (also known as c.496C>T), located in coding exon 4 of the SDHAF2 gene, results from a C to T substitution at nucleotide position 496. The arginine at codon 166 is replaced by cysteine, an amino acid with highly dissimilar properties. This amino acid position is poorly conserved in available vertebrate species. In addition, this alteration is predicted to be tolerated by in silico analysis. Since supporting evidence is limited at this time, the clinical significance of this alteration remains unclear.

All of Us Research Program, National Institutes of Health
Classification: Uncertain significance for Hereditary pheochromocytoma and paraganglioma. Last evaluated: 2024-03-28. Review status: criteria provided, single submitter. Criteria: ACMG Guidelines, 2015. Collection method: clinical testing. Allele origin: germline. Inheritance: Autosomal dominant inheritance. Observed: 3 variant alleles, 3 heterozygotes.
Comment: This missense variant replaces arginine with cysteine at codon 166 of the SDHAF2 protein. Computational prediction suggests that this variant may not impact protein structure and function (internally defined REVEL score threshold <= 0.5, PMID: 27666373). To our knowledge, functional studies have not been reported for this variant. This variant has not been reported in individuals affected with SDHAF2-related disorders in the literature. This variant has been identified in 1/251464 chromosomes in the general population by the Genome Aggregation Database (gnomAD). The available evidence is insufficient to determine the role of this variant in disease conclusively. Therefore, this variant is classified as a Variant of Uncertain Significance.

This study involves interpretation of variants in research participants for the purpose of population health screening. Participant phenotype was not available at the time of variant classification. Additional details can be found in publication PMID: 35346344, PMCID: PMC8962531

GeneDx
Classification: Uncertain significance. Last evaluated: 2023-10-25. Review status: criteria provided, single submitter. Criteria: GeneDx Variant Classification Process June 2021. Collection method: clinical testing. Allele origin: germline. Affected: yes.
Comment: Not observed at significant frequency in large population cohorts (gnomAD); In silico analysis supports that this missense variant does not alter protein structure/function; Has not been previously published as pathogenic or benign to our knowledge